The following is an entry in ClinVar:

ClinVar aggregate classification (germline): Pathogenic/Likely pathogenic. Review status: criteria provided, multiple submitters, no conflicts (2 of 4 stars). 2 submissions from 2 submitters: Pathogenic (1); Likely pathogenic (1). Last evaluated 2024-06-20.

Conditions:
Cardiovascular phenotype. Identifiers: MedGen CN230736.

Submissions (2):

Ambry Genetics
Classification: Pathogenic for Cardiovascular phenotype. Last evaluated: 2024-06-20. Review status: criteria provided, single submitter. Criteria: Ambry Variant Classification Scheme 2023. Collection method: clinical testing. Allele origin: germline.
Comment: The p.Y626* pathogenic mutation (also known as c.1878T>G), located in coding exon 9 of the PKP2 gene, results from a T to G substitution at nucleotide position 1878. This changes the amino acid from a tyrosine to a stop codon within coding exon 9. This variant is considered to be rare based on population cohorts in the Genome Aggregation Database (gnomAD). This alteration is expected to result in loss of function by premature protein truncation or nonsense-mediated mRNA decay. As such, this alteration is interpreted as a disease-causing mutation.

Molecular Diagnostic Laboratory for Inherited Cardiovascular Disease, Montreal Heart Institute
Classification: Likely pathogenic for Cardiovascular phenotype. Last evaluated: 2024-05-06. Review status: criteria provided, single submitter. Criteria: ACMG Guidelines, 2015. Collection method: clinical testing. Allele origin: germline. Affected: yes.
Comment: PVS1, PM2

NM_001005242.3(PKP2):c.1746T>G (p.Tyr582Ter)

Gene: PKP2 (plakophilin 2; minus strand). Cytogenetic location: 12p11.21.
Variant type: single nucleotide variant.
Coding change: c.1746T>G on transcript NM_001005242.3 (MANE Select); coding-DNA position 1746, T replaced by G.
Protein change: p.Tyr582Ter; replaces tyrosine 582 with a stop codon.
Molecular consequence: nonsense. On other transcripts: intron variant (1).
Genome position (GRCh38, 1-based): chr12:32,822,560, A>C on the plus strand (T>G on the coding strand, the complement: PKP2 is on the minus strand). VCF-style: chr12-32822560-A-C. GRCh37 (hg19) VCF-style: chr12-32975494-A-C.
Other names: c.1746T>G, p.Tyr582Ter (NM_001407155.1, NM_001407161.1); c.1878T>G, p.Tyr626Ter (NM_001407157.1, NM_004572.4); c.1419T>G, p.Tyr473Ter (NM_001407158.1, NM_001407159.1, NM_001407160.1 and 1 more transcripts); c.1675-1031T>G (NM_001407156.1); c.1746T>G (NM_001005242.2); short protein forms Y626*, Y473*, Y582*.
Identifiers: ClinVar variation 3307102 (VCV003307102.2).